The following is an entry in ClinVar:

NM_002439.5(MSH3):c.908A>G (p.Lys303Arg)

Gene: MSH3 (mutS homolog 3; plus strand). Cytogenetic location: 5q14.1.
Variant type: single nucleotide variant.
Coding change: c.908A>G on transcript NM_002439.5 (MANE Select); coding-DNA position 908, A replaced by G.
Protein change: p.Lys303Arg; replaces lysine 303 with arginine.
Molecular consequence: missense variant.
Genome position (GRCh38, 1-based): chr5:80,672,359, A>G. VCF-style: chr5-80672359-A-G. GRCh37 (hg19) VCF-style: chr5-79968178-A-G.
Other names: short protein forms K303R.
Identifiers: ClinVar variation 1043519 (VCV001043519.8), dbSNP rs1236969310, ClinGen allele CA360267297.

ClinVar aggregate classification (germline): Uncertain significance (1 of 4 stars; one submission).

Allele frequency attached by ClinVar (database versions not stated): gnomAD exomes below 0.00001.
gnomAD v4.1: 1 of 1,607,394 alleles (0.000062%); highest among the groups gnomAD compares: Admixed American, 0.0017%; no homozygotes.

Submission:

Labcorp Genetics (formerly Invitae), Labcorp
Classification: Uncertain significance. Last evaluated: 2022-07-06. Review status: criteria provided, single submitter. Criteria: Invitae Variant Classification Sherloc (09022015). Collection method: clinical testing. Allele origin: germline.
Comment: This variant has not been reported in the literature in individuals affected with MSH3-related conditions. This variant is present in population databases (no rsID available, gnomAD 0.003%). This sequence change replaces lysine, which is basic and polar, with arginine, which is basic and polar, at codon 303 of the MSH3 protein (p.Lys303Arg). ClinVar contains an entry for this variant (Variation ID: 1043519). In summary, the available evidence is currently insufficient to determine the role of this variant in disease. Therefore, it has been classified as a Variant of Uncertain Significance. Algorithms developed to predict the effect of sequence changes on RNA splicing suggest that this variant may disrupt the consensus splice site. Algorithms developed to predict the effect of missense changes on protein structure and function (SIFT, PolyPhen-2, Align-GVGD) all suggest that this variant is likely to be disruptive.